The following is an entry in ClinVar:

ClinVar aggregate classification (germline): Uncertain significance. Review status: criteria provided, multiple submitters, no conflicts (2 of 4 stars). 2 submissions from 2 submitters: Uncertain significance (2). Last evaluated 2021-08-17.

Conditions:
Hereditary attention deficit-hyperactivity disorder. Also called: HYPERACTIVITY OF CHILDHOOD. Identifiers: MedGen CN324066, MONDO:0100518, OMIM 143465.

Allele frequency attached by ClinVar (database versions not stated): gnomAD exomes 0.00019; ExAC 0.00050.

Submissions (2):

Ambry Genetics
Classification: Uncertain significance. Last evaluated: 2021-08-17. Review status: criteria provided, single submitter. Criteria: Ambry Variant Classification Scheme 2023. Collection method: clinical testing. Allele origin: germline.

Clinical Genomics, Uppaluri K&H Personalized Medicine Clinic
Classification: Uncertain significance for Hereditary attention deficit-hyperactivity disorder. Review status: criteria provided, single submitter. Criteria: K &amp; H Uppaluri Personalized Medicine Clinic Variant Classification &amp; Assertion Criteria_Updated V.1. Collection method: clinical testing. Allele origin: germline. Inheritance: Autosomal dominant inheritance. Affected: yes. Observed: 1 heterozygote.
Comment: Potent mutations in Dopamine receptor uptake gene leads to decreased brain uptake of neuromodulator dopamine and are strongly associated with onset of Attention deficit hyperactivity disorder. However more evidence is required to confer the association of this particular rs534428944 with Attention deficit hyperactivity disorder.

Literature cited by the submitters: PubMed 20644990 (cited by Clinical Genomics, Uppaluri K&H Personalized Medicine Clinic); PubMed 36211978 (cited by Clinical Genomics, Uppaluri K&H Personalized Medicine Clinic); PubMed 10654656 (cited by Clinical Genomics, Uppaluri K&H Personalized Medicine Clinic); PubMed 30099719 (cited by Clinical Genomics, Uppaluri K&H Personalized Medicine Clinic); PubMed 25262643 (cited by Clinical Genomics, Uppaluri K&H Personalized Medicine Clinic); PubMed 29781347 (cited by Clinical Genomics, Uppaluri K&H Personalized Medicine Clinic).

NM_000797.4(DRD4):c.922T>C (p.Ser308Pro)

Gene: DRD4 (dopamine receptor D4; plus strand). Cytogenetic location: 11p15.5.
Variant type: single nucleotide variant.
Coding change: c.922T>C on transcript NM_000797.4 (MANE Select); coding-DNA position 922, T replaced by C.
Protein change: p.Ser308Pro; replaces serine 308 with proline.
Molecular consequence: missense variant.
Genome position (GRCh38, 1-based): chr11:640,171, T>C. VCF-style: chr11-640171-T-C. GRCh37 (hg19) VCF-style: chr11-640171-T-C.
Other names: short protein forms S308P.
Identifiers: ClinVar variation 2346771 (VCV002346771.3), dbSNP rs534428944, ClinGen allele CA5785869.